The following is an entry in ClinVar:

NM_000089.4(COL1A2):c.1008C>T (p.Ala336=)

Gene: COL1A2 (collagen type I alpha 2 chain; plus strand). Cytogenetic location: 7q21.3.
Variant type: single nucleotide variant.
Coding change: c.1008C>T on transcript NM_000089.4 (MANE Select); coding-DNA position 1008, C replaced by T.
Protein change: p.Ala336=; no amino-acid change (alanine 336 retained).
Molecular consequence: synonymous variant.
Genome position (GRCh38, 1-based): chr7:94,409,794, C>T. VCF-style: chr7-94409794-C-T. GRCh37 (hg19) VCF-style: chr7-94039106-C-T.
Other names: p.Ala336=.
Identifiers: ClinVar variation 498647 (VCV000498647.25), dbSNP rs138357977, ClinGen allele CA4346903.

ClinVar aggregate classification (germline): Conflicting classifications of pathogenicity. Review status: criteria provided, conflicting classifications (1 of 4 stars). 7 submissions from 7 submitters: Uncertain significance (1); Likely benign (6). Last evaluated 2026-02-13.

Conditions:
Ehlers-Danlos syndrome, classic type, 1 (EDSCL1). Also called: EHLERS-DANLOS SYNDROME, GRAVIS TYPE; EHLERS-DANLOS SYNDROME, SEVERE CLASSIC TYPE; EDS I; Ehlers-Danlos Syndrome, Classic Type, COL5A1-Related; Ehlers-Danlos syndrome, type 1. Identifiers: MedGen C0268335, MONDO:0019567, OMIM 130000.
Osteogenesis imperfecta type I (OI1). Also called: OI, TYPE I; OSTEOGENESIS IMPERFECTA TARDA; OSTEOGENESIS IMPERFECTA WITH BLUE SCLERAE; Classic Non-deforming Osteogenesis Imperfecta with Blue Sclerae; Lobstein disease; Osteogenesis imperfecta type 1. Identifiers: Orphanet 216796, Orphanet 666, MedGen C0023931, MONDO:0008146, OMIM 166200. Disease mechanism: loss of function.
Cardiovascular phenotype. Identifiers: MedGen CN230736.

Allele frequency attached by ClinVar (database versions not stated): ExAC 0.00013; TOPMed 0.00035; gnomAD exomes 0.00003 and 0.00010; gnomAD 0.00040 and 0.00039; 1000 Genomes Project 30x 0.00078; ESP Exome Variant Server 0.00046; 1000 Genomes Project 0.00080.
gnomAD v4.1: 112 of 1,614,090 alleles (0.0069%); highest among the groups gnomAD compares: African/African-American, 0.11%; no homozygotes.

Submissions (7):

Women's Health and Genetics/Laboratory Corporation of America, LabCorp
Classification: Likely benign. Last evaluated: 2026-02-13. Review status: criteria provided, single submitter. Criteria: LabCorp Variant Classification Summary - May 2015. Collection method: clinical testing. Allele origin: germline.

Labcorp Genetics (formerly Invitae), Labcorp
Classification: Likely benign for Osteogenesis imperfecta type I; Ehlers-Danlos syndrome, classic type, 1. Last evaluated: 2025-12-16. Review status: criteria provided, single submitter. Criteria: Invitae Variant Classification Sherloc (09022015). Collection method: clinical testing. Allele origin: germline.

Mayo Clinic Laboratories, Mayo Clinic
Classification: Likely benign. Last evaluated: 2025-01-09. Review status: criteria provided, single submitter. Criteria: ACMG Guidelines, 2015. Collection method: clinical testing. Allele origin: germline. Observed: 2 variant alleles.
Comment: BP4, BP7

ARUP Laboratories, Molecular Genetics and Genomics, ARUP Laboratories
Classification: Likely benign. Last evaluated: 2022-09-16. Review status: criteria provided, single submitter. Criteria: ARUP Molecular Germline Variant Investigation Process 2021. Collection method: clinical testing. Allele origin: germline.

Ambry Genetics
Classification: Likely benign for Cardiovascular phenotype. Last evaluated: 2021-12-15. Review status: criteria provided, single submitter. Criteria: Ambry Variant Classification Scheme 2023. Collection method: clinical testing. Allele origin: germline.

GeneDx
Classification: Likely benign. Last evaluated: 2020-10-06. Review status: criteria provided, single submitter. Criteria: GeneDx Variant Classification Process June 2021. Collection method: clinical testing. Allele origin: germline. Affected: yes.

Eurofins Ntd Llc (ga)
Classification: Uncertain significance. Last evaluated: 2016-12-02. Review status: criteria provided, single submitter. Criteria: EGL Classification Definitions 2015. Collection method: clinical testing. Allele origin: germline. Observed: 1 variant allele, 1 heterozygote.